The following is an entry in ClinVar:

NM_000258.3(MYL3):c.*13+5G>C

Gene: MYL3 (myosin light chain 3; minus strand). Cytogenetic location: 3p21.31.
Variant type: single nucleotide variant.
Coding change: c.*13+5G>C on transcript NM_000258.3 (MANE Select); 5 bases into the intron after 13 bases downstream of the stop codon, G replaced by C.
Molecular consequence: intron variant.
Genome position (GRCh38, 1-based): chr3:46,858,226, C>G on the plus strand (G>C on the coding strand, the complement: MYL3 is on the minus strand). VCF-style: chr3-46858226-C-G. GRCh37 (hg19) VCF-style: chr3-46899716-C-G.
Identifiers: ClinVar variation 345569 (VCV000345569.11), dbSNP rs200422816, ClinGen allele CA042550.

ClinVar aggregate classification (germline): Likely benign. Review status: criteria provided, multiple submitters, no conflicts (2 of 4 stars). 7 submissions from 7 submitters: Likely benign (5). 2 of the submissions do not count toward it. Last evaluated 2025-09-12.

Conditions:
Hypertrophic cardiomyopathy 8. Also called: MYL3-Related Familial Hypertrophic Cardiomyopathy; CARDIOMYOPATHY, HYPERTROPHIC, MID-LEFT VENTRICULAR CHAMBER TYPE, 1. Identifiers: MedGen C1837471, MONDO:0012111, OMIM 608751.
MYL3-related disorder. Also called: MYL3-related condition.
Cardiomyopathy (CMYO). Also called: Cardiomyopathies. Identifiers: Orphanet 167848, MedGen C0878544, MONDO:0004994, HP:0001638. Inheritance: Various modes of inheritance.

Allele frequency attached by ClinVar (database versions not stated): gnomAD 0.00011 and 0.00013; gnomAD exomes 0.00011 and 0.00037; TOPMed 0.00023; 1000 Genomes Project 30x 0.00031; 1000 Genomes Project 0.00040; ExAC 0.00040.

Submissions (7):

PreventionGenetics, part of Exact Sciences
Classification: Likely benign for MYL3-related condition. Last evaluated: 2025-09-12. Review status: criteria provided, single submitter. Criteria: ACMG Guidelines, 2015. Collection method: clinical testing. Allele origin: germline.
Comment: This variant is classified as likely benign based on ACMG/AMP sequence variant interpretation guidelines (Richards et al. 2015 PMID: 25741868, with internal and published modifications).

Blueprint Genetics
Classification: Likely benign. Last evaluated: 2024-11-22. Review status: criteria provided, single submitter. Criteria: ACMG Guidelines, 2015. Collection method: clinical testing. Allele origin: germline.

CHEO Genetics Diagnostic Laboratory, Children's Hospital of Eastern Ontario
Classification: Likely benign for Cardiomyopathy. Last evaluated: 2019-08-28. Review status: criteria provided, single submitter. Criteria: ACMG Guidelines, 2015. Collection method: clinical testing. Allele origin: germline.

Illumina Laboratory Services, Illumina
Classification: Likely benign for Hypertrophic cardiomyopathy 8. Last evaluated: 2018-01-13. Review status: criteria provided, single submitter. Criteria: ICSL Variant Classification Criteria 13 December 2019. Collection method: clinical testing. Allele origin: germline.
Comment: This variant was observed in the ICSL laboratory as part of a predisposition screen in an ostensibly healthy population. It had not been previously curated by ICSL or reported in the Human Gene Mutation Database (HGMD: prior to June 1st, 2018), and was therefore a candidate for classification through an automated scoring system. Utilizing variant allele frequency, disease prevalence and penetrance estimates, and inheritance mode, an automated score was calculated to assess if this variant is too frequent to cause the disease. Based on the score and internal cut-off values, a variant classified as likely benign is not then subjected to further curation. The score for this variant resulted in a classification of likely benign for this disease.

GeneDx
Classification: Likely benign. Last evaluated: 2017-11-14. Review status: criteria provided, single submitter. Criteria: GeneDx Variant Classification (06012015). Collection method: clinical testing. Allele origin: germline. Affected: yes.
Comment: This variant is considered likely benign or benign based on one or more of the following criteria: it is a conservative change, it occurs at a poorly conserved position in the protein, it is predicted to be benign by multiple in silico algorithms, and/or has population frequency not consistent with disease.

Clinical Genetics DNA and cytogenetics Diagnostics Lab, Erasmus MC, Erasmus Medical Center
Classification: Likely benign. Review status: no assertion criteria provided. Collection method: clinical testing. Allele origin: germline. Affected: yes. Study: VKGL Data-share Consensus. Not counted in ClinVar's aggregate classification.

Clinical Genetics, Academic Medical Center
Classification: Benign. Review status: no assertion criteria provided. Collection method: clinical testing. Allele origin: germline. Affected: yes. Study: VKGL Data-share Consensus. Not counted in ClinVar's aggregate classification.